The following is an entry in ClinVar:

ClinVar aggregate classification (germline): Uncertain significance. Review status: criteria provided, multiple submitters, no conflicts (2 of 4 stars). 2 submissions from 2 submitters: Uncertain significance (2). Last evaluated 2023-12-23.

Conditions:
Inborn genetic diseases. Identifiers: MedGen C0950123, MeSH D030342.

Allele frequency attached by ClinVar (database versions not stated): TOPMed below 0.00001.
gnomAD v4.1: 1 of 1,612,530 alleles (0.000062%); highest among the groups gnomAD compares: Non-Finnish European, 0.000085%; no homozygotes.

Submissions (2):

Labcorp Genetics (formerly Invitae), Labcorp
Classification: Uncertain significance. Last evaluated: 2023-12-23. Review status: criteria provided, single submitter. Criteria: Invitae Variant Classification Sherloc (09022015). Collection method: clinical testing. Allele origin: germline.
Comment: This sequence change falls in intron 15 of the SRP54 gene. It does not directly change the encoded amino acid sequence of the SRP54 protein. This variant is present in population databases (rs763830292, gnomAD 0.0009%). This variant has not been reported in the literature in individuals affected with SRP54-related conditions. ClinVar contains an entry for this variant (Variation ID: 2295868). Algorithms developed to predict the effect of sequence changes on RNA splicing suggest that this variant may disrupt the consensus splice site. In summary, the available evidence is currently insufficient to determine the role of this variant in disease. Therefore, it has been classified as a Variant of Uncertain Significance.

Ambry Genetics
Classification: Uncertain significance for Inborn genetic diseases. Last evaluated: 2022-07-19. Review status: criteria provided, single submitter. Criteria: Ambry Variant Classification Scheme 2023. Collection method: clinical testing. Allele origin: germline.
Comment: The c.1424-5T>G intronic alteration consists of a T to G substitution 5 nucleotides before coding exon 15 in the SRP54 gene. Based on insufficient or conflicting evidence, the clinical significance of this alteration remains unclear.

NM_003136.4(SRP54):c.1424-5T>G

Gene: SRP54 (signal recognition particle 54; plus strand). Cytogenetic location: 14q13.2.
Variant type: single nucleotide variant.
Coding change: c.1424-5T>G on transcript NM_003136.4 (MANE Select); 5 bases into the intron before coding-DNA position 1424, T replaced by G.
Molecular consequence: intron variant.
Genome position (GRCh38, 1-based): chr14:35,029,056, T>G. VCF-style: chr14-35029056-T-G. GRCh37 (hg19) VCF-style: chr14-35498262-T-G.
Other names: c.1277-5T>G (NM_001146282.2).
Identifiers: ClinVar variation 2295868 (VCV002295868.5), dbSNP rs763830292, ClinGen allele CA258828535.